The following is an entry in ClinVar:

ClinVar aggregate classification (germline): Uncertain significance. Review status: criteria provided, multiple submitters, no conflicts (2 of 4 stars). 4 submissions from 4 submitters: Uncertain significance (3). 1 of the submissions does not count toward it. Last evaluated 2022-07-27.

Conditions:
Retinitis pigmentosa 25 (RP25). Identifiers: Orphanet 791, MedGen C1864446, MONDO:0011272, OMIM 602772.
Inborn genetic diseases. Identifiers: MedGen C0950123, MeSH D030342.

Allele frequency attached by ClinVar (database versions not stated): gnomAD exomes 0.00003 and 0.00010; ExAC 0.00014.
gnomAD v4.1: 42 of 1,551,852 alleles (0.0027%); highest among the groups gnomAD compares: South Asian, 0.043%; 1 homozygote.

Submissions (4):

Ambry Genetics
Classification: Uncertain significance for Inborn genetic diseases. Last evaluated: 2022-07-27. Review status: criteria provided, single submitter. Criteria: Ambry Variant Classification Scheme 2023. Collection method: clinical testing. Allele origin: germline.

Labcorp Genetics (formerly Invitae), Labcorp
Classification: Uncertain significance. Last evaluated: 2021-08-26. Review status: criteria provided, single submitter. Criteria: Invitae Variant Classification Sherloc (09022015). Collection method: clinical testing. Allele origin: germline.
Comment: This sequence change replaces valine with isoleucine at codon 2582 of the EYS protein (p.Val2582Ile). The valine residue is highly conserved and there is a small physicochemical difference between valine and isoleucine. This variant is present in population databases (rs779269543, ExAC 0.04%). This variant has not been reported in the literature in individuals affected with EYS-related conditions. ClinVar contains an entry for this variant (Variation ID: 950855). Algorithms developed to predict the effect of missense changes on protein structure and function (SIFT, PolyPhen-2, Align-GVGD) all suggest that this variant is likely to be tolerated. In summary, the available evidence is currently insufficient to determine the role of this variant in disease. Therefore, it has been classified as a Variant of Uncertain Significance.

Blueprint Genetics
Classification: Uncertain significance. Last evaluated: 2021-08-05. Review status: criteria provided, single submitter. Criteria: ACMG Guidelines, 2015. Collection method: clinical testing. Allele origin: germline.

Natera, Inc.
Classification: Uncertain significance for Retinitis pigmentosa type 25. Last evaluated: 2021-01-06. Review status: no assertion criteria provided. Collection method: clinical testing. Allele origin: germline. Not counted in ClinVar's aggregate classification.

NM_001142800.2(EYS):c.7744G>A (p.Val2582Ile)

Gene: EYS (EGF-like photoreceptor maintenance factor; minus strand). Cytogenetic location: 6q12.
Variant type: single nucleotide variant.
Coding change: c.7744G>A on transcript NM_001142800.2 (MANE Select); coding-DNA position 7744, G replaced by A.
Protein change: p.Val2582Ile; replaces valine 2582 with isoleucine.
Molecular consequence: missense variant.
Genome position (GRCh38, 1-based): chr6:63,778,160, C>T on the plus strand (G>A on the coding strand, the complement: EYS is on the minus strand). VCF-style: chr6-63778160-C-T. GRCh37 (hg19) VCF-style: chr6-64488053-C-T.
Other names: c.7744G>A, p.Val2582Ile (NM_001292009.2); short protein forms V2582I.
Identifiers: ClinVar variation 950855 (VCV000950855.8), dbSNP rs779269543, ClinGen allele CA3876778.
Genomic context (GRCh38, chr6:63,778,160, plus strand): 5'-CATTTGGGTGGCCCTCAGGATTTCCCAGTCCTCTGAAATGGCCATCCTTCTCAGTGCGAA[C>T]TTGAAGAGTGAAAATACAGCCTTGAAGAAATGCAAAAACACTTCGTGTTAACAAACAGAA-3'
Protein context (NP_001136272.1, residues 2572-2592): GFQGCIFTLQ[Val2582Ile]RTEKDGHFRG